The following is an entry in ClinVar:

ClinVar aggregate classification (germline): Uncertain significance (1 of 4 stars; one submission).

Conditions:
FHOD3-related disorder. Also called: FHOD3-related condition.

gnomAD v4.1: 5 of 1,613,960 alleles (0.00031%); highest among the groups gnomAD compares: Non-Finnish European, 0.00042%; no homozygotes.

Submission:

PreventionGenetics, part of Exact Sciences
Classification: Uncertain significance for FHOD3-related condition. Last evaluated: 2026-04-01. Review status: criteria provided, single submitter. Criteria: ACMG Guidelines, 2015. Collection method: clinical testing. Allele origin: germline.
Comment: The FHOD3 c.433G>A variant is predicted to result in the amino acid substitution p.Val145Ile. To our knowledge, this variant has not been reported in the literature or in a large population database (gnomAD), indicating this variant is rare. At this time, the clinical significance of this variant is uncertain due to the absence of conclusive functional and genetic evidence.

NM_001281740.3(FHOD3):c.433G>A (p.Val145Ile)

Gene: FHOD3 (formin homology 2 domain containing 3; plus strand). Cytogenetic location: 18q12.2.
Variant type: single nucleotide variant.
Coding change: c.433G>A on transcript NM_001281740.3 (MANE Select); coding-DNA position 433, G replaced by A.
Protein change: p.Val145Ile; replaces valine 145 with isoleucine.
Molecular consequence: missense variant.
Genome position (GRCh38, 1-based): chr18:36,512,465, G>A. VCF-style: chr18-36512465-G-A. GRCh37 (hg19) VCF-style: chr18-34092428-G-A.
Other names: c.433G>A, p.Val145Ile (NM_001281739.3, NM_025135.5); short protein forms V145I.
Identifiers: ClinVar variation 4978894 (VCV004978894.1).